The following is an entry in ClinVar:

ClinVar aggregate classification (germline): Conflicting classifications of pathogenicity. Review status: criteria provided, conflicting classifications (1 of 4 stars). 2 submissions from 2 submitters: Uncertain significance (1); Likely benign (1). Last evaluated 2025-11-17.

Conditions:
Hereditary cancer-predisposing syndrome. Also called: Hereditary neoplastic syndrome; Hereditary Cancer Syndrome; Tumor predisposition; Neoplastic Syndromes, Hereditary. Identifiers: Orphanet 140162, MedGen C0027672, MeSH D009386, MONDO:0015356.

Allele frequency attached by ClinVar (database versions not stated): gnomAD exomes 0.00001.
gnomAD v4.1: 3 of 1,614,034 alleles (0.00019%); highest among the groups gnomAD compares: East Asian, 0.0022%; no homozygotes.

Submissions (2):

Labcorp Genetics (formerly Invitae), Labcorp
Classification: Likely benign. Last evaluated: 2025-11-17. Review status: criteria provided, single submitter. Criteria: Invitae Variant Classification Sherloc (09022015). Collection method: clinical testing. Allele origin: germline.

Ambry Genetics
Classification: Uncertain significance for Hereditary cancer-predisposing syndrome. Last evaluated: 2025-06-17. Review status: criteria provided, single submitter. Criteria: Ambry Variant Classification Scheme 2023. Collection method: clinical testing. Allele origin: germline.
Comment: The c.238-5T>C intronic variant results from a T to C substitution 5 nucleotides upstream from coding exon 2 in the MSH3 gene. This nucleotide position is well conserved in available vertebrate species. In silico splice site analysis predicts that this alteration will not have any significant effect on splicing. Based on the available evidence, the clinical significance of this variant remains unclear.

NM_002439.5(MSH3):c.238-5T>C

Gene: MSH3 (mutS homolog 3; plus strand). Cytogenetic location: 5q14.1.
Variant type: single nucleotide variant.
Coding change: c.238-5T>C on transcript NM_002439.5 (MANE Select); 5 bases into the intron before coding-DNA position 238, T replaced by C.
Molecular consequence: intron variant.
Genome position (GRCh38, 1-based): chr5:80,656,406, T>C. VCF-style: chr5-80656406-T-C. GRCh37 (hg19) VCF-style: chr5-79952225-T-C.
Other names: c.238-5T>C (NM_002439.3).
Identifiers: ClinVar variation 1136522 (VCV001136522.13), dbSNP rs1290501462, ClinGen allele CA560559020.
Genomic context (GRCh38, chr5:80,656,406, plus strand): 5'-CTTCACATACGTCAGGCCTTCTCAGAGTAGAGATAACACATCATTTTCTAACCTTCCCGA[T>C]ATAGGCTACAGAAATTGACAGAAGAAAGAAGAGACCATTGGAAAATGATGGGCCTGTTAA-3'